The following is an entry in ClinVar:

NM_001244008.2(KIF1A):c.933G>T (p.Leu311Phe)

Gene: KIF1A (kinesin family member 1A; minus strand). Cytogenetic location: 2q37.3.
Variant type: single nucleotide variant.
Coding change: c.933G>T on transcript NM_001244008.2 (MANE Select); coding-DNA position 933, G replaced by T.
Protein change: p.Leu311Phe; replaces leucine 311 with phenylalanine.
Molecular consequence: missense variant.
Genome position (GRCh38, 1-based): chr2:240,775,876, C>A on the plus strand (G>T on the coding strand, the complement: KIF1A is on the minus strand). VCF-style: chr2-240775876-C-A. GRCh37 (hg19) VCF-style: chr2-241715293-C-A.
Other names: c.933G>T, p.Leu311Phe (NM_001320705.2, NM_001330289.2, NM_001330290.2 and 21 more transcripts); short protein forms L311F.
Identifiers: ClinVar variation 2090698 (VCV002090698.4), dbSNP rs375492399, ClinGen allele CA351297697.
Genomic context (GRCh38, chr2:240,775,876, plus strand): 5'-GAGCCCTGGGGACAGGCAAACCCACAAGTTCTCACCCAGGTTTTCCCGGAGGAGCCAGGT[C>A]AACACGGAATCTCGGTACGGAATGAAATCTGTCTTCTTCTTTTTCTTGTTCTGTGGGGGA-3'
Protein context (NP_001230937.1, residues 301-321): TDFIPYRDSV[Leu311Phe]TWLLRENLGG

ClinVar aggregate classification (germline): Uncertain significance (1 of 4 stars; one submission).

Conditions:
Neuropathy, hereditary sensory, type 2C. Also called: Hereditary sensory and autonomic neuropathy type IIC; KIF1A-Related HSAN2 (HSAN2C). Identifiers: Orphanet 970, MedGen C3280168, MONDO:0013634, OMIM 614213.
Intellectual disability, autosomal dominant 9 (NESCAVS). Also called: NESCAV SYNDROME; KIF1A-Related Neurodevelopmental Disorder. Identifiers: Orphanet 662367, MedGen C5393830, MONDO:0013656, OMIM 614255.
Hereditary spastic paraplegia 30. Identifiers: Orphanet 101010, MedGen C5235139, MONDO:0012476.

Submission:

Labcorp Genetics (formerly Invitae), Labcorp
Classification: Uncertain significance for Hereditary spastic paraplegia 30; Neuropathy, hereditary sensory, type 2C; Intellectual disability, autosomal dominant 9. Last evaluated: 2022-01-28. Review status: criteria provided, single submitter. Criteria: Invitae Variant Classification Sherloc (09022015). Collection method: clinical testing. Allele origin: germline.
Comment: This sequence change replaces leucine, which is neutral and non-polar, with phenylalanine, which is neutral and non-polar, at codon 311 of the KIF1A protein (p.Leu311Phe). This variant is not present in population databases (gnomAD no frequency). This variant has not been reported in the literature in individuals affected with KIF1A-related conditions. Advanced modeling of protein sequence and biophysical properties (such as structural, functional, and spatial information, amino acid conservation, physicochemical variation, residue mobility, and thermodynamic stability) performed at Invitae indicates that this missense variant is expected to disrupt KIF1A protein function. In summary, the available evidence is currently insufficient to determine the role of this variant in disease. Therefore, it has been classified as a Variant of Uncertain Significance.